The following is an entry in ClinVar:

ClinVar aggregate classification (germline): Pathogenic (1 of 4 stars; one submission).

Conditions:
Hereditary cancer-predisposing syndrome. Also called: Tumor predisposition; Hereditary neoplastic syndrome; Neoplastic Syndromes, Hereditary; Hereditary Cancer Syndrome. Identifiers: Orphanet 140162, MedGen C0027672, MeSH D009386, MONDO:0015356.

Submission:

Ambry Genetics
Classification: Pathogenic for Hereditary cancer-predisposing syndrome. Last evaluated: 2025-06-05. Review status: criteria provided, single submitter. Criteria: Ambry Variant Classification Scheme 2023. Collection method: clinical testing. Allele origin: germline.
Comment: The c.1130delA pathogenic mutation, located in coding exon 9 of the BRCA2 gene, results from a deletion of one nucleotide at nucleotide position 1130, causing a translational frameshift with a predicted alternate stop codon (p.E377Gfs*22). This variant is considered to be rare based on population cohorts in the Genome Aggregation Database (gnomAD). This alteration is expected to result in loss of function by premature protein truncation or nonsense-mediated mRNA decay. As such, this alteration is interpreted as a disease-causing mutation.

NM_000059.4(BRCA2):c.1130del (p.Glu377fs)

Gene: BRCA2 (BRCA2 DNA repair associated; plus strand). Cytogenetic location: 13q13.1.
Variant type: Deletion.
Coding change: c.1130del on transcript NM_000059.4 (MANE Select); coding-DNA position 1130, one base deleted (A; older notation c.1130delA).
Protein change: p.Glu377fs; shifts the reading frame from glutamic acid 377.
Molecular consequence: frameshift variant. On other transcripts: non-coding transcript variant (1), intron variant (1).
Genome position (GRCh38, 1-based): chr13:32,332,608, A deleted. VCF-style (leftmost placement, unchanged base first): chr13-32332607-GA-G. GRCh37 (hg19) VCF-style: chr13-32906744-GA-G.
Other names: c.1130del, p.Glu377fs (NM_001406719.1, NM_001406720.1, NM_001406721.1 and 1 more transcripts); c.424+1578del (NM_001406722.1); short protein forms E377fs.
Identifiers: ClinVar variation 3992867 (VCV003992867.1).